The following is an entry in ClinVar:

ClinVar aggregate classification (germline): Uncertain significance. Review status: criteria provided, multiple submitters, no conflicts (2 of 4 stars). 3 submissions from 3 submitters: Uncertain significance (3). Last evaluated 2026-07-16.

Conditions:
REN-related disorder. Also called: REN-related condition.
Inborn genetic diseases. Identifiers: MedGen C0950123, MeSH D030342.

Allele frequency attached by ClinVar (database versions not stated): ExAC 0.00005; TOPMed 0.00005; gnomAD exomes 0.00006; gnomAD 0.00007; ESP Exome Variant Server 0.00008.
gnomAD v4.1: 103 of 1,613,434 alleles (0.0064%); highest among the groups gnomAD compares: Non-Finnish European, 0.0084%; no homozygotes.

Submissions (3):

PreventionGenetics, part of Exact Sciences
Classification: Uncertain significance for REN-related condition. Last evaluated: 2026-07-16. Review status: criteria provided, single submitter. Criteria: ACMG Guidelines, 2015. Collection method: clinical testing. Allele origin: germline.
Comment: The REN c.479A>G variant is predicted to result in the amino acid substitution p.Gln160Arg. To our knowledge, this variant has not been reported in the literature. This variant is reported in 0.012% of alleles in individuals of European (non-Finnish) descent in gnomAD. At this time, the clinical significance of this variant is uncertain due to the absence of conclusive functional and genetic evidence.

Ambry Genetics
Classification: Uncertain significance for Inborn genetic diseases. Last evaluated: 2025-05-13. Review status: criteria provided, single submitter. Criteria: Ambry Variant Classification Scheme 2023. Collection method: clinical testing. Allele origin: germline.

Labcorp Genetics (formerly Invitae), Labcorp
Classification: Uncertain significance. Last evaluated: 2025-01-26. Review status: criteria provided, single submitter. Criteria: Invitae Variant Classification Sherloc (09022015). Collection method: clinical testing. Allele origin: germline.
Comment: This sequence change replaces glutamine, which is neutral and polar, with arginine, which is basic and polar, at codon 160 of the REN protein (p.Gln160Arg). This variant is present in population databases (rs367805555, gnomAD 0.01%). This variant has not been reported in the literature in individuals affected with REN-related conditions. ClinVar contains an entry for this variant (Variation ID: 2214324). Invitae Evidence Modeling of protein sequence and biophysical properties (such as structural, functional, and spatial information, amino acid conservation, physicochemical variation, residue mobility, and thermodynamic stability) indicates that this missense variant is not expected to disrupt REN protein function with a negative predictive value of 80%. In summary, the available evidence is currently insufficient to determine the role of this variant in disease. Therefore, it has been classified as a Variant of Uncertain Significance.

NM_000537.4(REN):c.479A>G (p.Gln160Arg)

Gene: REN (renin; minus strand). Cytogenetic location: 1q32.1.
Variant type: single nucleotide variant.
Coding change: c.479A>G on transcript NM_000537.4 (MANE Select); coding-DNA position 479, A replaced by G.
Protein change: p.Gln160Arg; replaces glutamine 160 with arginine.
Molecular consequence: missense variant.
Genome position (GRCh38, 1-based): chr1:204,160,573, T>C on the plus strand (A>G on the coding strand, the complement: REN is on the minus strand). VCF-style: chr1-204160573-T-C. GRCh37 (hg19) VCF-style: chr1-204129701-T-C.
Other names: short protein forms Q160R.
Identifiers: ClinVar variation 2214324 (VCV002214324.6), dbSNP rs367805555, ClinGen allele CA1344934.